The following is an entry in ClinVar:

ClinVar aggregate classification (germline): Uncertain significance (1 of 4 stars; one submission).

gnomAD v4.1: 3 of 1,613,972 alleles (0.00019%); highest among the groups gnomAD compares: African/African-American, 0.004%; no homozygotes.

Submission:

Labcorp Genetics (formerly Invitae), Labcorp
Classification: Uncertain significance. Last evaluated: 2025-03-11. Review status: criteria provided, single submitter. Criteria: Invitae Variant Classification Sherloc (09022015). Collection method: clinical testing. Allele origin: germline.
Comment: This sequence change replaces lysine, which is basic and polar, with threonine, which is neutral and polar, at codon 210 of the C1S protein (p.Lys210Thr). This variant is not present in population databases (gnomAD no frequency). This variant has not been reported in the literature in individuals affected with C1S-related conditions. Invitae Evidence Modeling of protein sequence and biophysical properties (such as structural, functional, and spatial information, amino acid conservation, physicochemical variation, residue mobility, and thermodynamic stability) indicates that this missense variant is not expected to disrupt C1S protein function with a negative predictive value of 80%. In summary, the available evidence is currently insufficient to determine the role of this variant in disease. Therefore, it has been classified as a Variant of Uncertain Significance.

NM_001734.5(C1S):c.629A>C (p.Lys210Thr)

Gene: C1S (complement C1s; plus strand). Cytogenetic location: 12p13.31.
Variant type: single nucleotide variant.
Coding change: c.629A>C on transcript NM_001734.5 (MANE Select); coding-DNA position 629, A replaced by C.
Protein change: p.Lys210Thr; replaces lysine 210 with threonine.
Molecular consequence: missense variant.
Genome position (GRCh38, 1-based): chr12:7,065,211, A>C. VCF-style: chr12-7065211-A-C. GRCh37 (hg19) VCF-style: chr12-7172515-A-C.
Other names: c.128A>C, p.Lys43Thr (NM_001346850.2); c.629A>C, p.Lys210Thr (NM_201442.4); short protein forms K210T, K43T.
Identifiers: ClinVar variation 4709918 (VCV004709918.1).